The following is an entry in ClinVar:

ClinVar aggregate classification (germline): Uncertain significance (1 of 4 stars; one submission).

Allele frequency attached by ClinVar (database versions not stated): gnomAD exomes below 0.00001.

Submission:

Labcorp Genetics (formerly Invitae), Labcorp
Classification: Uncertain significance. Last evaluated: 2022-04-18. Review status: criteria provided, single submitter. Criteria: Invitae Variant Classification Sherloc (09022015). Collection method: clinical testing. Allele origin: germline.
Comment: In summary, the available evidence is currently insufficient to determine the role of this variant in disease. Therefore, it has been classified as a Variant of Uncertain Significance. This sequence change replaces leucine, which is neutral and non-polar, with proline, which is neutral and non-polar, at codon 80 of the LRRC10 protein (p.Leu80Pro). This variant is present in population databases (no rsID available, gnomAD 0.0009%). This variant has not been reported in the literature in individuals affected with LRRC10-related conditions. Algorithms developed to predict the effect of missense changes on protein structure and function are either unavailable or do not agree on the potential impact of this missense change (SIFT: "Tolerated"; PolyPhen-2: "Probably Damaging"; Align-GVGD: "Class C0").

NM_201550.4(LRRC10):c.239T>C (p.Leu80Pro)

Gene: LRRC10 (leucine rich repeat containing 10; minus strand). Cytogenetic location: 12q15.
Variant type: single nucleotide variant.
Coding change: c.239T>C on transcript NM_201550.4 (MANE Select); coding-DNA position 239, T replaced by C.
Protein change: p.Leu80Pro; replaces leucine 80 with proline.
Molecular consequence: missense variant.
Genome position (GRCh38, 1-based): chr12:69,610,600, A>G on the plus strand (T>C on the coding strand, the complement: LRRC10 is on the minus strand). VCF-style: chr12-69610600-A-G. GRCh37 (hg19) VCF-style: chr12-70004380-A-G.
Other names: short protein forms L80P.
Identifiers: ClinVar variation 1472814 (VCV001472814.6), dbSNP rs1196312346, ClinGen allele CA385737319.